The following is an entry in ClinVar:

ClinVar aggregate classification (germline): Uncertain significance (1 of 4 stars; one submission).

Conditions:
Inborn genetic diseases. Identifiers: MedGen C0950123, MeSH D030342.

Allele frequency attached by ClinVar (database versions not stated): gnomAD exomes below 0.00001; TOPMed below 0.00001; gnomAD 0.00001.

Submission:

Ambry Genetics
Classification: Uncertain significance for Inborn genetic diseases. Last evaluated: 2022-12-12. Review status: criteria provided, single submitter. Criteria: Ambry Variant Classification Scheme 2023. Collection method: clinical testing. Allele origin: germline.
Comment: The p.E494D variant (also known as c.1482G>C), located in coding exon 8 of the PIK3CA gene, results from a G to C substitution at nucleotide position 1482. The glutamic acid at codon 494 is replaced by aspartic acid, an amino acid with highly similar properties. This amino acid position is conserved. In addition, this alteration is predicted to be tolerated by in silico analysis. Since supporting evidence is limited at this time, the clinical significance of this alteration remains unclear.

NM_006218.4(PIK3CA):c.1482G>C (p.Glu494Asp)

Gene: PIK3CA (phosphatidylinositol-4,5-bisphosphate 3-kinase catalytic subunit alpha; plus strand). Cytogenetic location: 3q26.32.
Variant type: single nucleotide variant.
Coding change: c.1482G>C on transcript NM_006218.4 (MANE Select); coding-DNA position 1482, G replaced by C.
Protein change: p.Glu494Asp; replaces glutamic acid 494 with aspartic acid.
Molecular consequence: missense variant.
Genome position (GRCh38, 1-based): chr3:179,210,508, G>C. VCF-style: chr3-179210508-G-C. GRCh37 (hg19) VCF-style: chr3-178928296-G-C.
Other names: short protein forms E494D.
Identifiers: ClinVar variation 2447333 (VCV002447333.2), dbSNP rs1254179775, ClinGen allele CA355262628.